The following is an entry in ClinVar:

ClinVar aggregate classification (germline): Uncertain significance (1 of 4 stars; one submission).

Allele frequency attached by ClinVar (database versions not stated): TOPMed below 0.00001; gnomAD exomes 0.00001.
gnomAD v4.1: 2 of 1,194,164 alleles (0.00017%); no homozygotes.

Submission:

CeGaT Center for Human Genetics Tuebingen
Classification: Uncertain significance. Last evaluated: 2023-10-01. Review status: criteria provided, single submitter. Criteria: CeGaT Center For Human Genetics Tuebingen Variant Classification Criteria Version 2. Collection method: clinical testing. Allele origin: germline. Affected: yes. Observed: 3 variant alleles.
Comment: DLG3: PM2, BP4

NM_021120.4(DLG3):c.1145+617T>C

Gene: DLG3 (discs large MAGUK scaffold protein 3; plus strand). Cytogenetic location: Xq13.1.
Variant type: single nucleotide variant.
Coding change: c.1145+617T>C on transcript NM_021120.4 (MANE Select); 617 bases into the intron after coding-DNA position 1145, T replaced by C.
Molecular consequence: intron variant. On other transcripts: missense variant (1).
Genome position (GRCh38, 1-based): chrX:70,452,643, T>C. VCF-style: chrX-70452643-T-C. GRCh37 (hg19) VCF-style: chrX-69672493-T-C.
Other names: c.22T>C, p.Ser8Pro (NM_020730.3); short protein forms S8P.
Identifiers: ClinVar variation 807744 (VCV000807744.42), dbSNP rs1240156930, ClinGen allele CA413494431.